The following is an entry in ClinVar:

ClinVar aggregate classification (germline): Uncertain significance (1 of 4 stars; one submission).

Submission:

Labcorp Genetics (formerly Invitae), Labcorp
Classification: Uncertain significance. Last evaluated: 2024-10-30. Review status: criteria provided, single submitter. Criteria: Invitae Variant Classification Sherloc (09022015). Collection method: clinical testing. Allele origin: germline.
Comment: This sequence change replaces glutamine, which is neutral and polar, with histidine, which is basic and polar, at codon 1321 of the SAMD9L protein (p.Gln1321His). This variant is not present in population databases (gnomAD no frequency). This variant has not been reported in the literature in individuals affected with SAMD9L-related conditions. Invitae Evidence Modeling of protein sequence and biophysical properties (such as structural, functional, and spatial information, amino acid conservation, physicochemical variation, residue mobility, and thermodynamic stability) indicates that this missense variant is not expected to disrupt SAMD9L protein function with a negative predictive value of 80%. In summary, the available evidence is currently insufficient to determine the role of this variant in disease. Therefore, it has been classified as a Variant of Uncertain Significance.

NM_152703.5(SAMD9L):c.3963A>C (p.Gln1321His)

Gene: SAMD9L (sterile alpha motif domain containing 9 like; minus strand). Cytogenetic location: 7q21.2.
Variant type: single nucleotide variant.
Coding change: c.3963A>C on transcript NM_152703.5 (MANE Select); coding-DNA position 3963, A replaced by C.
Protein change: p.Gln1321His; replaces glutamine 1321 with histidine.
Molecular consequence: missense variant.
Genome position (GRCh38, 1-based): chr7:93,132,009, T>G on the plus strand (A>C on the coding strand, the complement: SAMD9L is on the minus strand). VCF-style: chr7-93132009-T-G. GRCh37 (hg19) VCF-style: chr7-92761322-T-G.
Other names: c.3963A>C, p.Gln1321His (NM_001303496.3, NM_001303497.3, NM_001303498.3 and 5 more transcripts); short protein forms Q1321H.
Identifiers: ClinVar variation 3709469 (VCV003709469.2).